The following is an entry in ClinVar:

NM_001354604.2(MITF):c.355-1135G>A

Genes: MITF (melanocyte inducing transcription factor; plus strand), LOC107988030 (MITF-M promoter region; plus strand). Cytogenetic location: 3p13.
Variant type: single nucleotide variant.
Coding change: c.355-1135G>A on transcript NM_001354604.2 (MANE Select); 1135 bases into the intron before coding-DNA position 355, G replaced by A.
Molecular consequence: intron variant. On other transcripts: 5 prime UTR variant (4).
Genome position (GRCh38, 1-based): chr3:69,936,687, G>A. VCF-style: chr3-69936687-G-A. GRCh37 (hg19) VCF-style: chr3-69985838-G-A.
Other names: c.-36G>A (NM_000248.4, NM_001184968.2, NM_198158.3 and 1 more transcripts); c.304-1135G>A (NM_001354607.2); c.199-1135G>A (NM_001354608.2, NM_001184967.2); c.355-1135G>A (NM_198159.3, NM_198159.2); c.352-1135G>A (NM_001354605.2, NM_001354606.2, NM_006722.3); c.307-1135G>A (NM_198177.3).
Identifiers: ClinVar variation 346493 (VCV000346493.8), dbSNP rs77588960, ClinGen allele CA2490314.

ClinVar aggregate classification (germline): Benign/Likely benign. Review status: criteria provided, multiple submitters, no conflicts (2 of 4 stars). 6 submissions from 4 submitters: Benign (5); Likely benign (1). Last evaluated 2025-02-01.

Conditions:
Waardenburg syndrome type 2A (WS2A). Also called: WAARDENBURG SYNDROME WITHOUT DYSTOPIA CANTHORUM. Identifiers: Orphanet 3440, MedGen C1860339, MONDO:0008671, OMIM 193510.
Melanoma, cutaneous malignant, susceptibility to, 8. Also called: MELANOMA AND RENAL CELL CARCINOMA, SUSCEPTIBILITY TO; Cutaneous malignant melanoma 8. Identifiers: Orphanet 293822, MedGen C3152204, MONDO:0013759, OMIM 614456.
Tietz syndrome (TADS). Also called: ALBINISM-DEAFNESS OF TIETZ; HYPOPIGMENTATION/DEAFNESS OF TIETZ; TIETZ ALBINISM-DEAFNESS SYNDROME. Identifiers: Orphanet 42665, MedGen C0391816, MONDO:0007077, OMIM 103500.

Allele frequency attached by ClinVar (database versions not stated): gnomAD exomes 0.01007 and 0.01362; gnomAD 0.01433 and 0.01486; ExAC 0.01507; TOPMed 0.01520; ESP Exome Variant Server 0.01545; 1000 Genomes Project 30x 0.01827; 1000 Genomes Project 0.01977.
gnomAD v4.1: 17,115 of 1,612,742 alleles (1.1%); highest among the groups gnomAD compares: South Asian, 3.6%; 195 homozygotes.

Submissions (6):

KCCC/NGS Laboratory, Kuwait Cancer Control Center
Classification: Benign for Waardenburg syndrome type 2A. Last evaluated: 2025-02-01. Review status: criteria provided, single submitter. Criteria: ACMG Guidelines, 2015. Collection method: clinical testing. Allele origin: germline. Affected: no.

KCCC/NGS Laboratory, Kuwait Cancer Control Center
Classification: Likely benign for Melanoma, cutaneous malignant, susceptibility to, 8. Last evaluated: 2023-07-07. Review status: criteria provided, single submitter. Criteria: ACMG Guidelines, 2015. Collection method: clinical testing. Allele origin: germline. Affected: yes.

Illumina Laboratory Services, Illumina
Classification: Benign for Tietz syndrome. Last evaluated: 2018-01-13. Review status: criteria provided, single submitter. Criteria: ICSL Variant Classification Criteria 13 December 2019. Collection method: clinical testing. Allele origin: germline.
Comment: This variant was observed in the ICSL laboratory as part of a predisposition screen in an ostensibly healthy population. It had not been previously curated by ICSL or reported in the Human Gene Mutation Database (HGMD: prior to June 1st, 2018), and was therefore a candidate for classification through an automated scoring system. Utilizing variant allele frequency, disease prevalence and penetrance estimates, and inheritance mode, an automated score was calculated to assess if this variant is too frequent to cause the disease. Based on the score and internal cut-off values, a variant classified as benign is not then subjected to further curation. The score for this variant resulted in a classification of benign for this disease.

Illumina Laboratory Services, Illumina
Classification: Benign for Waardenburg syndrome type 2A. Last evaluated: 2018-01-13. Review status: criteria provided, single submitter. Criteria: ICSL Variant Classification Criteria 13 December 2019. Collection method: clinical testing. Allele origin: germline.
Comment: the same text as in the submission from Illumina Laboratory Services, Illumina above.

GeneDx
Classification: Benign. Last evaluated: 2017-10-19. Review status: criteria provided, single submitter. Criteria: GeneDx Variant Classification (06012015). Collection method: clinical testing. Allele origin: germline. Affected: yes.
Comment: This variant is considered likely benign or benign based on one or more of the following criteria: it is a conservative change, it occurs at a poorly conserved position in the protein, it is predicted to be benign by multiple in silico algorithms, and/or has population frequency not consistent with disease.

Breakthrough Genomics
Classification: Benign. Review status: criteria provided, single submitter. Criteria: ACMG Guidelines, 2015. Collection method: not provided. Allele origin: germline. Inheritance: Autosomal recessive inheritance. Affected: yes.